The following is an entry in ClinVar:

NM_006269.2(RP1):c.5509G>A (p.Val1837Ile)

Genes: RP1 (RP1 axonemal microtubule associated; plus strand), LOC126860392 (CDK7 strongly-dependent group 2 enhancer GRCh37_chr8:55541319-55542518; plus strand). Cytogenetic location: 8q12.1.
Variant type: single nucleotide variant.
Coding change: c.5509G>A on transcript NM_006269.2 (MANE Select); coding-DNA position 5509, G replaced by A.
Protein change: p.Val1837Ile; replaces valine 1837 with isoleucine.
Molecular consequence: missense variant.
Genome position (GRCh38, 1-based): chr8:54,629,391, G>A. VCF-style: chr8-54629391-G-A. GRCh37 (hg19) VCF-style: chr8-55541951-G-A.
Other names: short protein forms V1837I.
Identifiers: ClinVar variation 432787 (VCV000432787.13), dbSNP rs141193718, ClinGen allele CA4752082.

ClinVar aggregate classification (germline): Conflicting classifications of pathogenicity. Review status: criteria provided, conflicting classifications (1 of 4 stars). 5 submissions from 5 submitters: Uncertain significance (4); Likely benign (1). Last evaluated 2026-05-27.

Conditions:
RP1-related disorder. Also called: RP1-related condition.
Inborn genetic diseases. Identifiers: MedGen C0950123, MeSH D030342.

Allele frequency attached by ClinVar (database versions not stated): ExAC 0.00015; 1000 Genomes Project 30x 0.00016; gnomAD exomes 0.00017; 1000 Genomes Project 0.00020; gnomAD 0.00032; TOPMed 0.00051; ESP Exome Variant Server 0.00062.
gnomAD v4.1: 174 of 1,614,102 alleles (0.011%); highest among the groups gnomAD compares: African/African-American, 0.14%; no homozygotes.

Submissions (5):

PreventionGenetics, part of Exact Sciences
Classification: Uncertain significance for RP1-related condition. Last evaluated: 2026-05-27. Review status: criteria provided, single submitter. Criteria: ACMG Guidelines, 2015. Collection method: clinical testing. Allele origin: germline.
Comment: The RP1 c.5509G>A variant is predicted to result in the amino acid substitution p.Val1837Ile. To our knowledge, this variant has not been reported in the literature. This variant is reported in 0.14% of alleles in individuals of African descent in gnomAD. Although we suspect that this variant may be benign, at this time, the clinical significance of this variant is uncertain due to the absence of conclusive functional and genetic evidence.

Labcorp Genetics (formerly Invitae), Labcorp
Classification: Uncertain significance. Last evaluated: 2025-11-24. Review status: criteria provided, single submitter. Criteria: Invitae Variant Classification Sherloc (09022015). Collection method: clinical testing. Allele origin: germline.
Comment: This sequence change replaces valine, which is neutral and non-polar, with isoleucine, which is neutral and non-polar, at codon 1837 of the RP1 protein (p.Val1837Ile). This variant is present in population databases (rs141193718, gnomAD 0.1%). This variant has not been reported in the literature in individuals affected with RP1-related conditions. ClinVar contains an entry for this variant (Variation ID: 432787). An algorithm developed to predict the effect of missense changes on protein structure and function outputs the following: PolyPhen-2: "Benign". The isoleucine amino acid residue is found in multiple mammalian species, which suggests that this missense change does not adversely affect protein function. In summary, the available evidence is currently insufficient to determine the role of this variant in disease. Therefore, it has been classified as a Variant of Uncertain Significance.

Ambry Genetics
Classification: Uncertain significance for Inborn genetic diseases. Last evaluated: 2025-01-24. Review status: criteria provided, single submitter. Criteria: Ambry Variant Classification Scheme 2023. Collection method: clinical testing. Allele origin: germline.

Blueprint Genetics
Classification: Likely benign. Last evaluated: 2024-03-01. Review status: criteria provided, single submitter. Criteria: ACMG Guidelines, 2015. Collection method: clinical testing. Allele origin: germline.

GeneDx
Classification: Uncertain significance. Last evaluated: 2017-06-20. Review status: criteria provided, single submitter. Criteria: GeneDx Variant Classification (06012015). Collection method: clinical testing. Allele origin: germline. Affected: yes.
Comment: The V1837I variant in the RP1 gene has not been reported previously as a pathogenic variant, nor as a benign variant, to our knowledge. The V1837I variant is observed in 15/10378 (0.15%) alleles from individuals of African background, with no homozygous individuals reported, in the ExAC dataset (Lek et al., 2016). The V1837I variant is a conservative amino acid substitution, which is not likely to impact secondary protein structure as these residues share similar properties. In addition, this substitution occurs at a position that is not conserved, and in silico analysis predicts this variant likely does not alter the protein structure/function. We interpret V1837I as a variant of uncertain significance.